The following is an entry in ClinVar:

NM_153460.4(IL17RC):c.587G>T (p.Gly196Val)

Gene: IL17RC (interleukin 17 receptor C; plus strand). Cytogenetic location: 3p25.3.
Variant type: single nucleotide variant.
Coding change: c.587G>T on transcript NM_153460.4 (MANE Select); coding-DNA position 587, G replaced by T.
Protein change: p.Gly196Val; replaces glycine 196 with valine.
Molecular consequence: missense variant. On other transcripts: intron variant (4).
Genome position (GRCh38, 1-based): chr3:9,920,934, G>T. VCF-style: chr3-9920934-G-T. GRCh37 (hg19) VCF-style: chr3-9962618-G-T.
Other names: c.587G>T, p.Gly196Val (NM_001203263.2, NM_001203264.2, NM_001367278.1); c.800G>T, p.Gly267Val (NM_153461.4); c.577+332G>T (NM_032732.6, NM_001367280.1, NM_001203265.2); c.502+332G>T (NM_001367279.1); short protein forms G267V, G196V.
Identifiers: ClinVar variation 570464 (VCV000570464.8), dbSNP rs772677090, ClinGen allele CA2246882.
Genomic context (GRCh38, chr3:9,920,934, plus strand): 5'-CTTTCCTTGGCCCCCAGCCCCACTGGAGGCTCTTCTGTGATCTCTCCTCAGACTGCAGGG[G>T]GCTCGAAGTCTGGAACAGCATCCCGAGCTGCTGGGGTAGGGGCTAGGGCCAGTGGGCCGG-3'
Protein context (NP_703190.2, residues 186-206): NHTQQLPDCR[Gly196Val]LEVWNSIPSC

ClinVar aggregate classification (germline): Uncertain significance. Review status: criteria provided, multiple submitters, no conflicts (2 of 4 stars). 2 submissions from 2 submitters: Uncertain significance (2). Last evaluated 2025-01-06.

Conditions:
Candidiasis, familial, 9 (CANDF9). Identifiers: Orphanet 1334, MedGen C4225324, MONDO:0014642, OMIM 616445.

Allele frequency attached by ClinVar (database versions not stated): gnomAD exomes below 0.00001; ExAC 0.00001; TOPMed 0.00001.
gnomAD v4.1: 4 of 1,607,460 alleles (0.00025%); highest among the groups gnomAD compares: Admixed American, 0.0017%; no homozygotes.

Submissions (2):

Labcorp Genetics (formerly Invitae), Labcorp
Classification: Uncertain significance for Candidiasis, familial, 9. Last evaluated: 2025-01-06. Review status: criteria provided, single submitter. Criteria: Invitae Variant Classification Sherloc (09022015). Collection method: clinical testing. Allele origin: germline.
Comment: This sequence change replaces glycine, which is neutral and non-polar, with valine, which is neutral and non-polar, at codon 267 of the IL17RC protein (p.Gly267Val). The frequency data for this variant in the population databases is considered unreliable, as metrics indicate poor data quality at this position in the gnomAD database. This variant has not been reported in the literature in individuals affected with IL17RC-related conditions. ClinVar contains an entry for this variant (Variation ID: 570464). An algorithm developed to predict the effect of missense changes on protein structure and function (PolyPhen-2) suggests that this variant is likely to be disruptive. In summary, the available evidence is currently insufficient to determine the role of this variant in disease. Therefore, it has been classified as a Variant of Uncertain Significance.

Ambry Genetics
Classification: Uncertain significance. Last evaluated: 2024-02-28. Review status: criteria provided, single submitter. Criteria: Ambry Variant Classification Scheme 2023. Collection method: clinical testing. Allele origin: germline.